The following is an entry in ClinVar:

ClinVar aggregate classification (germline): Uncertain significance (1 of 4 stars; one submission).

Allele frequency attached by ClinVar (database versions not stated): gnomAD exomes below 0.00001; ExAC 0.00001.
gnomAD v4.1: 1 of 1,614,184 alleles (0.000062%); highest among the groups gnomAD compares: African/African-American, 0.0013%; no homozygotes.

Submission:

Labcorp Genetics (formerly Invitae), Labcorp
Classification: Uncertain significance. Last evaluated: 2020-10-09. Review status: criteria provided, single submitter. Criteria: Invitae Variant Classification Sherloc (09022015). Collection method: clinical testing. Allele origin: germline.
Comment: This variant has not been reported in the literature in individuals with PCARE-related conditions. Algorithms developed to predict the effect of missense changes on protein structure and function output the following: SIFT: "Deleterious"; PolyPhen-2: "Possibly Damaging"; Align-GVGD: "Class C35". The aspartic acid amino acid residue is found in multiple mammalian species, suggesting that this missense change does not adversely affect protein function. These predictions have not been confirmed by published functional studies and their clinical significance is uncertain. In summary, the available evidence is currently insufficient to determine the role of this variant in disease. Therefore, it has been classified as a Variant of Uncertain Significance. This variant is present in population databases (rs766967937, ExAC 0.001%). This sequence change replaces glutamic acid with aspartic acid at codon 235 of the PCARE protein (p.Glu235Asp). The glutamic acid residue is highly conserved and there is a small physicochemical difference between glutamic acid and aspartic acid.

NM_001029883.3(PCARE):c.705G>T (p.Glu235Asp)

Gene: PCARE (photoreceptor cilium actin regulator; minus strand). Cytogenetic location: 2p23.2.
Variant type: single nucleotide variant.
Coding change: c.705G>T on transcript NM_001029883.3 (MANE Select); coding-DNA position 705, G replaced by T.
Protein change: p.Glu235Asp; replaces glutamic acid 235 with aspartic acid.
Molecular consequence: missense variant.
Genome position (GRCh38, 1-based): chr2:29,073,557, C>A on the plus strand (G>T on the coding strand, the complement: PCARE is on the minus strand). VCF-style: chr2-29073557-C-A. GRCh37 (hg19) VCF-style: chr2-29296423-C-A.
Other names: short protein forms E235D.
Identifiers: ClinVar variation 1015949 (VCV001015949.8), dbSNP rs766967937, ClinGen allele CA1592597.